The following is an entry in ClinVar:

ClinVar aggregate classification (germline): Likely pathogenic. Review status: criteria provided, single submitter (1 of 4 stars). 2 submissions from 2 submitters: Likely pathogenic (1). 1 of the submissions does not count toward it. Last evaluated 2025-07-30.

Conditions:
Alkaptonuria (AKU). Also called: Alcaptonuria; Homogentisic acidura; Alkaptonuric ochronosis; HOMOGENTISIC ACID OXIDASE DEFICIENCY. Identifiers: Orphanet 56, MedGen C0002066, MONDO:0008753, OMIM 203500.

Allele frequency attached by ClinVar (database versions not stated): gnomAD exomes below 0.00001; TOPMed below 0.00001; ExAC 0.00001.
gnomAD v4.1: 5 of 1,590,468 alleles (0.00031%); highest among the groups gnomAD compares: Non-Finnish European, 0.00043%; no homozygotes.

Submissions (2):

First Genomix Gene Laboratory, Genetic Diagnostics Department
Classification: Likely pathogenic for Alkaptonuria. Last evaluated: 2025-07-30. Review status: criteria provided, single submitter. Criteria: ACMG Guidelines, 2015. Collection method: clinical testing. Allele origin: germline. Inheritance: Autosomal recessive inheritance. Affected: no. Observed: 1 variant allele.

Department Of Human Genetics, Institute Of Clinical And Translational Research, Biomedical Research Center, Slovak Academy Of Sciences
Classification: Pathogenic for Alkaptonuria. Review status: no assertion criteria provided. Collection method: research. Allele origin: germline. Inheritance: Autosomal recessive inheritance. Affected: yes. Observed: 4 variant alleles. Not counted in ClinVar's aggregate classification.
Comment: The variant was originally described in AKU patient in PMID:9529363. It has been submitted to the HGD gene mutation database (DB-ID: AKU_00065).

Literature cited by the submitters: PubMed 9529363 (cited by Department Of Human Genetics, Institute Of Clinical And Translational Research, Biomedical Research Center, Slovak Academy Of Sciences).

NM_000187.4(HGD):c.647T>C (p.Ile216Thr)

Gene: HGD (homogentisate 1,2-dioxygenase; minus strand). Cytogenetic location: 3q13.33.
Variant type: single nucleotide variant.
Coding change: c.647T>C on transcript NM_000187.4 (MANE Select); coding-DNA position 647, T replaced by C.
Protein change: p.Ile216Thr; replaces isoleucine 216 with threonine.
Molecular consequence: missense variant.
Genome position (GRCh38, 1-based): chr3:120,646,269, A>G on the plus strand (T>C on the coding strand, the complement: HGD is on the minus strand). VCF-style: chr3-120646269-A-G. GRCh37 (hg19) VCF-style: chr3-120365116-A-G.
Other names: short protein forms I216T.
Identifiers: ClinVar variation 2627714 (VCV002627714.2), dbSNP rs767201131, ClinGen allele CA2560140.